The following is an entry in ClinVar:

ClinVar aggregate classification (germline): Uncertain significance. Review status: criteria provided, multiple submitters, no conflicts (2 of 4 stars). 2 submissions from 2 submitters: Uncertain significance (2). Last evaluated 2024-05-31.

Conditions:
Fanconi anemia complementation group P. Also called: SLX4-Related Fanconi Anemia. Identifiers: Orphanet 84, MedGen C3469542, MONDO:0013499, OMIM 613951.
Fanconi anemia (FA). Also called: Fanconi's anemia. Identifiers: Orphanet 84, MedGen C0015625, MeSH D005199, MONDO:0019391.

gnomAD v4.1: 17 of 1,612,388 alleles (0.0011%); highest among the groups gnomAD compares: South Asian, 0.014%; no homozygotes.

Submissions (2):

Fulgent Genetics
Classification: Uncertain significance for Fanconi anemia complementation group P. Last evaluated: 2024-05-31. Review status: criteria provided, single submitter. Criteria: ACMG Guidelines, 2015. Collection method: clinical testing. Allele origin: germline.

Labcorp Genetics (formerly Invitae), Labcorp
Classification: Uncertain significance for Fanconi anemia. Last evaluated: 2021-03-24. Review status: criteria provided, single submitter. Criteria: Invitae Variant Classification Sherloc (09022015). Collection method: clinical testing. Allele origin: germline.
Comment: In summary, the available evidence is currently insufficient to determine the role of this variant in disease. Therefore, it has been classified as a Variant of Uncertain Significance. Algorithms developed to predict the effect of sequence changes on RNA splicing suggest that this variant may create or strengthen a splice site, but this prediction has not been confirmed by published transcriptional studies. Algorithms developed to predict the effect of missense changes on protein structure and function are either unavailable or do not agree on the potential impact of this missense change (SIFT: "Deleterious"; PolyPhen-2: "Probably Damaging"; Align-GVGD: "Class C0"). This variant has not been reported in the literature in individuals with SLX4-related conditions. This variant is present in population databases (rs140706384, ExAC 0.006%). This sequence change replaces arginine with cysteine at codon 737 of the SLX4 protein (p.Arg737Cys). The arginine residue is highly conserved and there is a large physicochemical difference between arginine and cysteine.

NM_032444.4(SLX4):c.2209C>T (p.Arg737Cys)

Gene: SLX4 (SLX4 structure-specific endonuclease subunit; minus strand). Cytogenetic location: 16p13.3.
Variant type: single nucleotide variant.
Coding change: c.2209C>T on transcript NM_032444.4 (MANE Select); coding-DNA position 2209, C replaced by T.
Protein change: p.Arg737Cys; replaces arginine 737 with cysteine.
Molecular consequence: missense variant.
Genome position (GRCh38, 1-based): chr16:3,592,817, G>A on the plus strand (C>T on the coding strand, the complement: SLX4 is on the minus strand). VCF-style: chr16-3592817-G-A. GRCh37 (hg19) VCF-style: chr16-3642818-G-A.
Other names: short protein forms R737C.
Identifiers: ClinVar variation 1374671 (VCV001374671.9), dbSNP rs140706384, ClinGen allele CA7866233.